The following is an entry in ClinVar:

NM_001369.3(DNAH5):c.13269C>G (p.Ile4423Met)

Gene: DNAH5 (dynein axonemal heavy chain 5; minus strand). Cytogenetic location: 5p15.2.
Variant type: single nucleotide variant.
Coding change: c.13269C>G on transcript NM_001369.3 (MANE Select); coding-DNA position 13269, C replaced by G.
Protein change: p.Ile4423Met; replaces isoleucine 4423 with methionine.
Molecular consequence: missense variant.
Genome position (GRCh38, 1-based): chr5:13,708,192, G>C on the plus strand (C>G on the coding strand, the complement: DNAH5 is on the minus strand). VCF-style: chr5-13708192-G-C. GRCh37 (hg19) VCF-style: chr5-13708301-G-C.
Other names: short protein forms I4423M.
Identifiers: ClinVar variation 1770004 (VCV001770004.2), dbSNP rs769984486, ClinGen allele CA359196860.
Genomic context (GRCh38, chr5:13,708,192, plus strand): 5'-CCAAGCAGGGATTCTAGCATCAAACATGCAATCCAATGCATCTCGCAGATTTTCGCTCAT[G>C]ATGATGGTGCCATCAATAGCAAGTTTCAGCTCAGTGAGGGTGCTGCGGACAAGGCTGAGT-3'
Protein context (NP_001360.1, residues 4413-4433): ELKLAIDGTI[Ile4423Met]MSENLRDALD

ClinVar aggregate classification (germline): Uncertain significance (1 of 4 stars; one submission).

Conditions:
Primary ciliary dyskinesia. Also called: Ciliary dyskinesia. Identifiers: Orphanet 244, MedGen C0008780, MONDO:0016575, HP:0012265.

gnomAD v4.1: 1 of 1,614,182 alleles (0.000062%); highest among the groups gnomAD compares: Non-Finnish European, 0.000085%; no homozygotes.

Submission:

Ambry Genetics
Classification: Uncertain significance for Primary ciliary dyskinesia. Last evaluated: 2018-12-05. Review status: criteria provided, single submitter. Criteria: Ambry Variant Classification Scheme 2023. Collection method: clinical testing. Allele origin: germline.
Comment: The p.I4423M variant (also known as c.13269C>G), located in coding exon 76 of the DNAH5 gene, results from a C to G substitution at nucleotide position 13269. The isoleucine at codon 4423 is replaced by methionine, an amino acid with highly similar properties. This amino acid position is well conserved in available vertebrate species. In addition, this alteration is predicted to be tolerated by in silico analysis. Since supporting evidence is limited at this time, the clinical significance of this alteration remains unclear.